The following is an entry in ClinVar:

NM_000535.7(PMS2):c.2259dup (p.Val754fs)

Gene: PMS2 (PMS1 homolog 2, mismatch repair system component; minus strand). Cytogenetic location: 7p22.1.
Variant type: Duplication.
Coding change: c.2259dup on transcript NM_000535.7 (MANE Select); coding-DNA position 2259, one base duplicated (T; older notation c.2259dupT).
Protein change: p.Val754fs; shifts the reading frame from valine 754.
Molecular consequence: frameshift variant. On other transcripts: non-coding transcript variant (1).
Genome position (GRCh38, 1-based): chr7:5,978,612, A duplicated on the plus strand (T on the coding strand, the reverse complement: PMS2 is on the minus strand); the first of 4 consecutive A bases (chr7:5,978,612-5,978,615); duplicating any one gives the same sequence. VCF-style (leftmost placement, unchanged base first): chr7-5978611-C-CA. GRCh37 (hg19) VCF-style: chr7-6018242-C-CA.
Other names: c.2148dup, p.Val718Cysfs (NM_001406869.1); c.2100dup, p.Val702Cysfs (NM_001406870.1); c.2088dup, p.Val698Cysfs (NM_001406872.1, NM_001406874.1); c.2058dup, p.Val688Cysfs (NM_001406873.1); c.1947dup, p.Val651Cysfs (NM_001406875.1, NM_001406877.1, NM_001406878.1 and 4 more transcripts); c.1938dup, p.Val648Cysfs (NM_001406876.1, NM_001406883.1); c.1932dup, p.Val646Cysfs (NM_001406884.1); c.1920dup, p.Val642Cysfs (NM_001406885.1); and 21 more; short protein forms V702fs, V443fs, V648fs, V651fs, V754fs, V563fs, V567fs, V619fs.
Identifiers: ClinVar variation 1788561 (VCV001788561.2), dbSNP rs2535387771, ClinGen allele CA2580076822.

ClinVar aggregate classification (germline): Pathogenic (1 of 4 stars; one submission).

Conditions:
Hereditary cancer-predisposing syndrome. Also called: Hereditary Cancer Syndrome; Hereditary neoplastic syndrome; Tumor predisposition; Neoplastic Syndromes, Hereditary. Identifiers: Orphanet 140162, MedGen C0027672, MeSH D009386, MONDO:0015356.

Submission:

Ambry Genetics
Classification: Pathogenic for Hereditary cancer-predisposing syndrome. Last evaluated: 2019-10-07. Review status: criteria provided, single submitter. Criteria: Ambry Variant Classification Scheme 2023. Collection method: clinical testing. Allele origin: germline.
Comment: The c.2259dupT variant, located in coding exon 13 of the PMS2 gene, results from a duplication of T at nucleotide position 2259, causing a translational frameshift with a predicted alternate stop codon (p.V754Cfs*4). This alteration is expected to result in loss of function by premature protein truncation or nonsense-mediated mRNA decay. As such, this alteration is interpreted as a disease-causing mutation.